The following is an entry in ClinVar:

ClinVar aggregate classification (germline): Uncertain significance (1 of 4 stars; one submission).

Conditions:
Primary ciliary dyskinesia. Also called: Ciliary dyskinesia. Identifiers: Orphanet 244, MedGen C0008780, MONDO:0016575, HP:0012265.

Allele frequency attached by ClinVar (database versions not stated): TOPMed 0.00008; ESP Exome Variant Server 0.00015.
gnomAD v4.1: 10 of 1,613,114 alleles (0.00062%); highest among the groups gnomAD compares: African/African-American, 0.0067%; no homozygotes.

Submission:

Labcorp Genetics (formerly Invitae), Labcorp
Classification: Uncertain significance for Primary ciliary dyskinesia. Last evaluated: 2025-06-09. Review status: criteria provided, single submitter. Criteria: Invitae Variant Classification Sherloc (09022015). Collection method: clinical testing. Allele origin: germline.
Comment: This sequence change falls in intron 7 of the RSPH1 gene. It does not directly change the encoded amino acid sequence of the RSPH1 protein. It affects a nucleotide within the consensus splice site. This variant is present in population databases (rs374688679, gnomAD 0.007%). This variant has not been reported in the literature in individuals affected with RSPH1-related conditions. ClinVar contains an entry for this variant (Variation ID: 2035442). Variants that disrupt the consensus splice site are a relatively common cause of aberrant splicing (PMID: 17576681, 9536098). Algorithms developed to predict the effect of sequence changes on RNA splicing suggest that this variant may create or strengthen a splice site. In summary, the available evidence is currently insufficient to determine the role of this variant in disease. Therefore, it has been classified as a Variant of Uncertain Significance.

Literature cited by the submitters: PubMed 17576681; PubMed 9536098.

NM_080860.4(RSPH1):c.727+6G>A

Gene: RSPH1 (radial spoke head component 1; minus strand). Cytogenetic location: 21q22.3.
Variant type: single nucleotide variant.
Coding change: c.727+6G>A on transcript NM_080860.4 (MANE Select); 6 bases into the intron after coding-DNA position 727, G replaced by A.
Molecular consequence: intron variant.
Genome position (GRCh38, 1-based): chr21:42,477,285, C>T on the plus strand (G>A on the coding strand, the complement: RSPH1 is on the minus strand). VCF-style: chr21-42477285-C-T. GRCh37 (hg19) VCF-style: chr21-43897395-C-T.
Other names: c.613+6G>A (NM_001286506.2).
Identifiers: ClinVar variation 2035442 (VCV002035442.4), dbSNP rs374688679, ClinGen allele CA10043812.